The following is an entry in ClinVar:

ClinVar aggregate classification (germline): Benign. Review status: criteria provided, multiple submitters, no conflicts (2 of 4 stars). 3 submissions from 3 submitters: Benign (3). Last evaluated 2023-11-12.

Allele frequency attached by ClinVar (database versions not stated): TOPMed 0.20379; gnomAD 0.21960 and 0.21661; 1000 Genomes Project 30x 0.15365; 1000 Genomes Project 0.15635; ESP Exome Variant Server 0.22731.
gnomAD v4.1: 424,912 of 1,533,828 alleles (28%); highest among the groups gnomAD compares: Non-Finnish European, 31%; 63,432 homozygotes.

Submissions (3):

Unidad de Genómica Garrahan, Hospital de Pediatría Garrahan
Classification: Benign. Last evaluated: 2023-11-12. Review status: criteria provided, single submitter. Criteria: ACMG Guidelines, 2015. Collection method: clinical testing. Allele origin: germline. Affected: no. Observed: 23 variant alleles.
Comment: This variant is classified as Benign based on local population frequency. This variant was detected in 24% of patients studied by a panel of primary immunodeficiencies. Number of patients: 23. Only high quality variants are reported.

GeneDx
Classification: Benign. Last evaluated: 2021-06-19. Review status: criteria provided, single submitter. Criteria: GeneDx Variant Classification Process June 2021. Collection method: clinical testing. Allele origin: germline. Affected: yes.

Breakthrough Genomics
Classification: Benign. Review status: criteria provided, single submitter. Criteria: ACMG Guidelines, 2015. Collection method: not provided. Allele origin: germline. Inheritance: Autosomal recessive inheritance. Affected: yes.

NM_001364905.1(LRBA):c.6922-40C>A

Gene: LRBA (LPS responsive beige-like anchor protein; minus strand). Cytogenetic location: 4q31.3.
Variant type: single nucleotide variant.
Coding change: c.6922-40C>A on transcript NM_001364905.1 (MANE Select); 40 bases into the intron before coding-DNA position 6922, C replaced by A.
Molecular consequence: intron variant.
Genome position (GRCh38, 1-based): chr4:150,435,748, G>T on the plus strand (C>A on the coding strand, the complement: LRBA is on the minus strand). VCF-style: chr4-150435748-G-T. GRCh37 (hg19) VCF-style: chr4-151356900-G-T.
Other names: c.6922-40C>A (NM_001367550.1, NM_001199282.3, NM_001440431.1); c.6955-40C>A (NM_006726.5, NM_001440430.1); c.625-40C>A (NM_001440432.1); c.619-40C>A (NM_001440433.1).
Identifiers: ClinVar variation 1269206 (VCV001269206.4), dbSNP rs2271043, ClinGen allele CA3101775.